The following is an entry in ClinVar:

ClinVar aggregate classification (germline): Pathogenic (1 of 4 stars; one submission).

Submission:

Labcorp Genetics (formerly Invitae), Labcorp
Classification: Pathogenic. Last evaluated: 2023-02-26. Review status: criteria provided, single submitter. Criteria: Invitae Variant Classification Sherloc (09022015). Collection method: clinical testing. Allele origin: germline.
Comment: This sequence change creates a premature translational stop signal (p.Tyr856*) in the HPS5 gene. It is expected to result in an absent or disrupted protein product. Loss-of-function variants in HPS5 are known to be pathogenic (PMID: 12548288, 15296495, 21833017, 26785811). This variant is not present in population databases (gnomAD no frequency). This variant has not been reported in the literature in individuals affected with HPS5-related conditions. For these reasons, this variant has been classified as Pathogenic.

Literature cited by the submitters: PubMed 12548288; PubMed 15296495; PubMed 21833017; PubMed 26785811.

NM_181507.2(HPS5):c.2568T>G (p.Tyr856Ter)

Gene: HPS5 (HPS5 biogenesis of lysosomal organelles complex 2 subunit 2; minus strand). Cytogenetic location: 11p15.1.
Variant type: single nucleotide variant.
Coding change: c.2568T>G on transcript NM_181507.2 (MANE Select); coding-DNA position 2568, T replaced by G.
Protein change: p.Tyr856Ter; replaces tyrosine 856 with a stop codon.
Molecular consequence: nonsense.
Genome position (GRCh38, 1-based): chr11:18,287,684, A>C on the plus strand (T>G on the coding strand, the complement: HPS5 is on the minus strand). VCF-style: chr11-18287684-A-C. GRCh37 (hg19) VCF-style: chr11-18309231-A-C.
Other names: c.2226T>G, p.Tyr742Ter (NM_007216.4, NM_181508.2); short protein forms Y742*, Y856*.
Identifiers: ClinVar variation 2824733 (VCV002824733.3), dbSNP rs2494507745, ClinGen allele CA379519700.